The following is an entry in ClinVar:

ClinVar aggregate classification (germline): Uncertain significance. Review status: criteria provided, multiple submitters, no conflicts (2 of 4 stars). 3 submissions from 3 submitters: Uncertain significance (3). Last evaluated 2025-03-18.

Conditions:
Hereditary cancer-predisposing syndrome. Also called: Tumor predisposition; Hereditary Cancer Syndrome; Neoplastic Syndromes, Hereditary; Hereditary neoplastic syndrome. Identifiers: Orphanet 140162, MedGen C0027672, MeSH D009386, MONDO:0015356.
Lynch syndrome. Identifiers: Orphanet 144, MedGen C4552100, MONDO:0005835. Disease mechanism: loss of function.
Hereditary nonpolyposis colorectal neoplasms. Identifiers: MedGen C0009405, MeSH D003123.

gnomAD v4.1: 1 of 1,613,998 alleles (0.000062%); no homozygotes.

Submissions (3):

Labcorp Genetics (formerly Invitae), Labcorp
Classification: Uncertain significance for Hereditary nonpolyposis colorectal neoplasms. Last evaluated: 2025-03-18. Review status: criteria provided, single submitter. Criteria: Invitae Variant Classification Sherloc (09022015). Collection method: clinical testing. Allele origin: germline.
Comment: This sequence change replaces alanine, which is neutral and non-polar, with proline, which is neutral and non-polar, at codon 940 of the MSH6 protein (p.Ala940Pro). This variant is not present in population databases (gnomAD no frequency). This missense change has been observed in individual(s) with MSH6-related conditions (PMID: 35430768). ClinVar contains an entry for this variant (Variation ID: 1796398). Invitae Evidence Modeling of protein sequence and biophysical properties (such as structural, functional, and spatial information, amino acid conservation, physicochemical variation, residue mobility, and thermodynamic stability) has been performed for this missense variant. However, the output from this modeling did not meet the statistical confidence thresholds required to predict the impact of this variant on MSH6 protein function. In summary, the available evidence is currently insufficient to determine the role of this variant in disease. Therefore, it has been classified as a Variant of Uncertain Significance.

All of Us Research Program, National Institutes of Health
Classification: Uncertain significance for Lynch syndrome. Last evaluated: 2024-04-25. Review status: criteria provided, single submitter. Criteria: ACMG Guidelines, 2015. Collection method: clinical testing. Allele origin: germline. Inheritance: Autosomal dominant inheritance. Observed: 1 variant allele, 1 heterozygote.
Comment: This missense variant replaces alanine with proline at codon 940 of the MSH6 protein. Computational prediction suggests that this variant may have deleterious impact on protein structure and function. To our knowledge, functional studies have not been reported for this variant. This variant has not been reported in individuals affected with MSH6-related disorders in the literature. This variant has not been identified in the general population by the Genome Aggregation Database (gnomAD). The available evidence is insufficient to determine the role of this variant in disease conclusively. Therefore, this variant is classified as a Variant of Uncertain Significance.

This study involves interpretation of variants in research participants for the purpose of population health screening. Participant phenotype was not available at the time of variant classification. Additional details can be found in publication PMID: 35346344, PMCID: PMC8962531

Ambry Genetics
Classification: Uncertain significance for Hereditary cancer-predisposing syndrome. Last evaluated: 2022-03-25. Review status: criteria provided, single submitter. Criteria: Ambry Variant Classification Scheme 2023. Collection method: clinical testing. Allele origin: germline.
Comment: The p.A940P variant (also known as c.2818G>C), located in coding exon 4 of the MSH6 gene, results from a G to C substitution at nucleotide position 2818. The alanine at codon 940 is replaced by proline, an amino acid with highly similar properties. This amino acid position is highly conserved in available vertebrate species. In addition, this alteration is predicted to be deleterious by in silico analysis. Since supporting evidence is limited at this time, the clinical significance of this alteration remains unclear.

Literature cited by the submitters: PubMed 35430768 (cited by Labcorp Genetics (formerly Invitae), Labcorp).

NM_000179.3(MSH6):c.2818G>C (p.Ala940Pro)

Gene: MSH6 (mutS homolog 6; plus strand). Cytogenetic location: 2p16.3.
Variant type: single nucleotide variant.
Coding change: c.2818G>C on transcript NM_000179.3 (MANE Select); coding-DNA position 2818, G replaced by C.
Protein change: p.Ala940Pro; replaces alanine 940 with proline.
Molecular consequence: missense variant.
Genome position (GRCh38, 1-based): chr2:47,800,801, G>C. VCF-style: chr2-47800801-G-C. GRCh37 (hg19) VCF-style: chr2-48027940-G-C.
Other names: c.2428G>C, p.Ala810Pro (NM_001281492.2); c.1912G>C, p.Ala638Pro (NM_001281493.2, NM_001281494.2, NM_001406811.1 and 6 more transcripts); c.2914G>C, p.Ala972Pro (NM_001406795.1, NM_001406802.1); c.2818G>C, p.Ala940Pro (NM_001406796.1, NM_001406798.1, NM_001406800.1 and 2 more transcripts); c.2521G>C, p.Ala841Pro (NM_001406797.1, NM_001406801.1, NM_001406805.1 and 10 more transcripts); c.2293G>C, p.Ala765Pro (NM_001406799.1, NM_001406806.1, NM_001406807.1); c.2740G>C, p.Ala914Pro (NM_001406804.1); c.2824G>C, p.Ala942Pro (NM_001406813.1); and 2 more; short protein forms A914P, A940P, A810P, A972P, A638P, A942P, A255P, A841P.
Identifiers: ClinVar variation 1796398 (VCV001796398.4), dbSNP rs772978164, ClinGen allele CA346755657.